The following is an entry in ClinVar:

ClinVar aggregate classification (germline): Likely benign. Review status: criteria provided, multiple submitters, no conflicts (2 of 4 stars). 2 submissions from 2 submitters: Likely benign (2). Last evaluated 2018-06-14.

Allele frequency attached by ClinVar (database versions not stated): 1000 Genomes Project 0.00180; TOPMed 0.00615; gnomAD 0.01051 and 0.01012.

Submissions (2):

GeneDx
Classification: Likely benign. Last evaluated: 2018-06-14. Review status: criteria provided, single submitter. Criteria: GeneDx Variant Classification (06012015). Collection method: clinical testing. Allele origin: germline. Affected: yes.
Comment: This variant is considered likely benign or benign based on one or more of the following criteria: it is a conservative change, it occurs at a poorly conserved position in the protein, it is predicted to be benign by multiple in silico algorithms, and/or has population frequency not consistent with disease.

Breakthrough Genomics
Classification: Likely benign. Review status: criteria provided, single submitter. Criteria: ACMG Guidelines, 2015. Collection method: not provided. Allele origin: germline. Inheritance: Autosomal recessive inheritance. Affected: yes.

NM_018060.3(IARS2):c.-128T>A

Genes: IARS2 (isoleucyl-tRNA synthetase 2, mitochondrial; plus strand), LOC129932529 (ATAC-STARR-seq lymphoblastoid silent region 1823; plus strand). Cytogenetic location: 1q41.
Variant type: single nucleotide variant.
Coding change: c.-128T>A on transcript NM_018060.3; 128 bases upstream of the start codon, T replaced by A.
Genome position (GRCh38, 1-based): chr1:220,094,089, T>A. VCF-style: chr1-220094089-T-A. GRCh37 (hg19) VCF-style: chr1-220267431-T-A.
Identifiers: ClinVar variation 676451 (VCV000676451.4), dbSNP rs547958478, ClinGen allele CA37533271.